The following is an entry in ClinVar:

ClinVar aggregate classification (germline): Pathogenic (1 of 4 stars; one submission).

Conditions:
Cohen syndrome (COH1). Also called: PEPPER SYNDROME; Cutis verticis gyrata, retinitis pigmentosa, and sensorineural deafness. Identifiers: Orphanet 193, MedGen C0265223, MONDO:0008999, OMIM 216550.

Submission:

Labcorp Genetics (formerly Invitae), Labcorp
Classification: Pathogenic for Cohen syndrome. Last evaluated: 2021-03-26. Review status: criteria provided, single submitter. Criteria: Invitae Variant Classification Sherloc (09022015). Collection method: clinical testing. Allele origin: germline.
Comment: The region of the VPS13B gene that includes exon(s) 26-32 has been determined to be clinically significant (PMID: 29634382). Therefore, deletions that encompass that region are likely to disrupt protein function and cause disease. This variant has not been reported in the literature in individuals with VPS13B-related conditions. This variant is a gross deletion of the genomic region encompassing exon(s) 25-32 of the VPS13B gene. This variant would be expected to be in-frame, preserving the integrity of the reading frame. For these reasons, this variant has been classified as Pathogenic.

Literature cited by the submitters: PubMed 29634382.

NC_000008.10:g.(?_100493817)_(100588022_?)del

Gene: VPS13B (vacuolar protein sorting 13 homolog B; plus strand). Cytogenetic location: 8q22.2.
Variant type: Deletion.
Identifiers: ClinVar variation 1459067 (VCV001459067.6).